The following is an entry in ClinVar:

ClinVar aggregate classification (germline): Conflicting classifications of pathogenicity. Review status: criteria provided, conflicting classifications (1 of 4 stars). 8 submissions from 8 submitters: Uncertain significance (5); Likely benign (3). Last evaluated 2025-12-22.

Conditions:
Lynch syndrome 4 (LYNCH4). Also called: Colorectal cancer, hereditary nonpolyposis, type 4; Hereditary non-polyposis colorectal cancer, type 4. Identifiers: Orphanet 144, MedGen C1838333, MONDO:0013699, OMIM 614337. Disease mechanism: loss of function.
Mismatch repair cancer syndrome 4. Identifiers: MedGen C5436817, MONDO:0030843, OMIM 619101.
Hereditary nonpolyposis colorectal neoplasms. Identifiers: MedGen C0009405, MeSH D003123.
Hereditary cancer-predisposing syndrome. Also called: Hereditary neoplastic syndrome; Neoplastic Syndromes, Hereditary; Hereditary Cancer Syndrome; Tumor predisposition. Identifiers: Orphanet 140162, MedGen C0027672, MeSH D009386, MONDO:0015356.
Lynch syndrome. Identifiers: Orphanet 144, MedGen C4552100, MONDO:0005835. Disease mechanism: loss of function.

Allele frequency attached by ClinVar (database versions not stated): gnomAD exomes 0.00001 and 0.00002; ExAC 0.00002; TOPMed 0.00002; gnomAD 0.00003.
gnomAD v4.1: 14 of 1,613,980 alleles (0.00087%); highest among the groups gnomAD compares: African/African-American, 0.0093%; no homozygotes.

Submissions (8):

Labcorp Genetics (formerly Invitae), Labcorp
Classification: Likely benign for Hereditary nonpolyposis colorectal neoplasms. Last evaluated: 2025-12-22. Review status: criteria provided, single submitter. Criteria: Invitae Variant Classification Sherloc (09022015). Collection method: clinical testing. Allele origin: germline.

Ambry Genetics
Classification: Likely benign for Hereditary cancer-predisposing syndrome. Last evaluated: 2025-04-10. Review status: criteria provided, single submitter. Criteria: Ambry Variant Classification Scheme 2023. Collection method: clinical testing. Allele origin: germline.

Color Diagnostics, LLC DBA Color Health
Classification: Likely benign for Hereditary cancer-predisposing syndrome. Last evaluated: 2025-01-06. Review status: criteria provided, single submitter. Criteria: ACMG Guidelines, 2015. Collection method: clinical testing. Allele origin: germline.

Quest Diagnostics Nichols Institute San Juan Capistrano
Classification: Uncertain significance. Last evaluated: 2024-03-15. Review status: criteria provided, single submitter. Criteria: Quest Diagnostics criteria. Collection method: clinical testing. Allele origin: unknown.
Comment: The PMS2 c.1675G>A (p.Gly559Arg) variant has been reported in the published literature in an individual with breast cancer (PMID: 35449176 (2022)) and in an individual with pancreatic cancer (PMID: 36896836 (2023)). The frequency of this variant in the general population, 0.000016 (4/251274 chromosomes (Genome Aggregation Database)), is uninformative in the assessment of its pathogenicity. Analysis of this variant using bioinformatics tools for the prediction of the effect of amino acid changes on protein structure and function yielded predictions that this variant is benign. Based on the available information, we are unable to determine the clinical significance of this variant.

Fulgent Genetics
Classification: Uncertain significance for Lynch syndrome 4; Mismatch repair cancer syndrome 4. Last evaluated: 2024-02-22. Review status: criteria provided, single submitter. Criteria: ACMG Guidelines, 2015. Collection method: clinical testing. Allele origin: germline.

All of Us Research Program, National Institutes of Health
Classification: Uncertain significance for Lynch syndrome. Last evaluated: 2023-12-13. Review status: criteria provided, single submitter. Criteria: ACMG Guidelines, 2015. Collection method: clinical testing. Allele origin: germline. Inheritance: Autosomal dominant inheritance. Observed: 3 variant alleles, 3 heterozygotes.
Comment: This missense variant replaces glycine with arginine at codon 559 of the PMS2 protein. Computational prediction suggests that this variant may not impact protein structure and function (internally defined REVEL score threshold <= 0.5, PMID: 27666373). To our knowledge, functional studies have not been reported for this variant. This variant has not been reported in individuals affected with PMS2-related disorders in the literature. This variant has been identified in 4/251274 chromosomes in the general population by the Genome Aggregation Database (gnomAD). The available evidence is insufficient to determine the role of this variant in disease conclusively. Therefore, this variant is classified as a Variant of Uncertain Significance.

This study involves interpretation of variants in research participants for the purpose of population health screening. Participant phenotype was not available at the time of variant classification. Additional details can be found in publication PMID: 35346344, PMCID: PMC8962531

GeneDx
Classification: Uncertain significance. Last evaluated: 2023-03-28. Review status: criteria provided, single submitter. Criteria: GeneDx Variant Classification Process June 2021. Collection method: clinical testing. Allele origin: germline. Affected: yes.
Comment: In silico analysis supports that this missense variant does not alter protein structure/function; Has not been previously published as pathogenic or benign to our knowledge

Blueprint Genetics
Classification: Uncertain significance. Last evaluated: 2021-11-02. Review status: criteria provided, single submitter. Criteria: ACMG Guidelines, 2015. Collection method: clinical testing. Allele origin: germline.

Literature cited by the submitters: PubMed 35449176 (cited by Ambry Genetics and Quest Diagnostics Nichols Institute San Juan Capistrano); PubMed 36896836 (cited by Quest Diagnostics Nichols Institute San Juan Capistrano).

NM_000535.7(PMS2):c.1675G>A (p.Gly559Arg)

Gene: PMS2 (PMS1 homolog 2, mismatch repair system component; minus strand). Cytogenetic location: 7p22.1.
Variant type: single nucleotide variant.
Coding change: c.1675G>A on transcript NM_000535.7 (MANE Select); coding-DNA position 1675, G replaced by A.
Protein change: p.Gly559Arg; replaces glycine 559 with arginine.
Molecular consequence: missense variant. On other transcripts: non-coding transcript variant (1).
Genome position (GRCh38, 1-based): chr7:5,987,090, C>T on the plus strand (G>A on the coding strand, the complement: PMS2 is on the minus strand). VCF-style: chr7-5987090-C-T. GRCh37 (hg19) VCF-style: chr7-6026721-C-T.
Other names: c.1270G>A, p.Gly424Arg (NM_001322003.2, NM_001322004.2, NM_001322005.2 and 1 more transcripts); c.1519G>A, p.Gly507Arg (NM_001322006.2); c.1357G>A, p.Gly453Arg (NM_001322007.2, NM_001322008.2); c.1114G>A, p.Gly372Arg (NM_001322010.2); c.742G>A, p.Gly248Arg (NM_001322011.2, NM_001322012.2); c.1102G>A, p.Gly368Arg (NM_001322013.2); c.1675G>A, p.Gly559Arg (NM_001322014.2); c.1366G>A, p.Gly456Arg (NM_001322015.2); short protein forms G559R, G248R, G453R, G456R, G507R, G368R, G372R, G424R.
Identifiers: ClinVar variation 411046 (VCV000411046.26), dbSNP rs751153838, ClinGen allele CA045058.